The following is an entry in ClinVar:

ClinVar aggregate classification (germline): Uncertain significance (1 of 4 stars; one submission).

Conditions:
Progressive sclerosing poliodystrophy (MTDPS4A). Also called: ALPERS PROGRESSIVE INFANTILE POLIODYSTROPHY; ALPERS DIFFUSE DEGENERATION OF CEREBRAL GRAY MATTER WITH HEPATIC CIRRHOSIS; Alpers-Huttenlocher Syndrome; Mitochondrial DNA depletion syndrome 4A (Alpers type); Alpers-Huttenlocher Syndrome (AHS); NEURONAL DEGENERATION OF CHILDHOOD WITH LIVER DISEASE, PROGRESSIVE. Identifiers: Orphanet 726, MedGen C0205710, MONDO:0008758, OMIM 203700.

Allele frequency attached by ClinVar (database versions not stated): gnomAD 0.00001.
gnomAD v4.1: 4 of 1,612,112 alleles (0.00025%); highest among the groups gnomAD compares: Admixed American, 0.0017%; no homozygotes.

Submission:

Labcorp Genetics (formerly Invitae), Labcorp
Classification: Uncertain significance for Progressive sclerosing poliodystrophy. Last evaluated: 2024-09-12. Review status: criteria provided, single submitter. Criteria: Invitae Variant Classification Sherloc (09022015). Collection method: clinical testing. Allele origin: germline.
Comment: This sequence change replaces methionine, which is neutral and non-polar, with isoleucine, which is neutral and non-polar, at codon 94 of the POLG protein (p.Met94Ile). The frequency data for this variant in the population databases is considered unreliable, as metrics indicate poor data quality at this position in the gnomAD database. This variant has not been reported in the literature in individuals affected with POLG-related conditions. ClinVar contains an entry for this variant (Variation ID: 656523). Invitae Evidence Modeling of protein sequence and biophysical properties (such as structural, functional, and spatial information, amino acid conservation, physicochemical variation, residue mobility, and thermodynamic stability) indicates that this missense variant is not expected to disrupt POLG protein function with a negative predictive value of 95%. In summary, the available evidence is currently insufficient to determine the role of this variant in disease. Therefore, it has been classified as a Variant of Uncertain Significance.

NM_002693.3(POLG):c.282G>A (p.Met94Ile)

Genes: POLG (DNA polymerase gamma, catalytic subunit; minus strand), POLGARF (POLG alternative reading frame; minus strand). Cytogenetic location: 15q26.1.
Variant type: single nucleotide variant.
Coding change: c.282G>A on transcript NM_002693.3 (MANE Select); coding-DNA position 282, G replaced by A.
Protein change: p.Met94Ile; replaces methionine 94 with isoleucine.
Molecular consequence: missense variant.
Genome position (GRCh38, 1-based): chr15:89,333,473, C>T on the plus strand (G>A on the coding strand, the complement: POLG is on the minus strand). VCF-style: chr15-89333473-C-T. GRCh37 (hg19) VCF-style: chr15-89876704-C-T.
Other names: c.282G>A, p.Met94Ile (NM_001126131.2); short protein forms M94I.
Identifiers: ClinVar variation 656523 (VCV000656523.9), dbSNP rs753739487, ClinGen allele CA7725141.